The following is an entry in ClinVar:

ClinVar aggregate classification (germline): Likely pathogenic (1 of 4 stars; one submission).

Conditions:
Factor H deficiency (CFHD). Also called: COMPLEMENT FACTOR H DEFICIENCY; CFH DEFICIENCY. Identifiers: Orphanet 200421, MedGen C0398777, MONDO:0012350, OMIM 609814.

Submission:

Genomenon, Inc
Classification: Likely pathogenic for Factor H deficiency. Last evaluated: 2026-09-17. Review status: criteria provided, single submitter. Criteria: Genomenon Sequence Variant Interpretation Standards - Updated. Collection method: curation. Allele origin: germline. Affected: yes.
Comment: CFH p.Pro88Thr (c.262C>A) is a missense variant that changes the amino acid at codon 88 from proline to threonine. This variant has been observed in at least one proband affected with complement factor H deficiency (PMID: 34211499; 26289290; 29500241). The variant was found to segregate with disease in at least one affected family (PMID: 26289290). It is absent or not present at a significant frequency in gnomAD. In silico models predict that this variant is possibly or probably damaging. In conclusion, we classify CFH p.Pro88Thr (c.262C>A) as a likely pathogenic variant.

Literature cited by the submitters: PubMed 34211499; PubMed 26289290; PubMed 29500241.

NM_000186.4(CFH):c.262C>A (p.Pro88Thr)

Gene: CFH (complement factor H; plus strand). Cytogenetic location: 1q31.3.
Variant type: single nucleotide variant.
Coding change: c.262C>A on transcript NM_000186.4 (MANE Select); coding-DNA position 262, C replaced by A.
Protein change: p.Pro88Thr; replaces proline 88 with threonine.
Molecular consequence: missense variant.
Genome position (GRCh38, 1-based): chr1:196,673,874, C>A. VCF-style: chr1-196673874-C-A. GRCh37 (hg19) VCF-style: chr1-196643004-C-A.
Other names: c.262C>A, p.Pro88Thr (NM_001014975.3); short protein forms P88T.
Identifiers: ClinVar variation 4291558 (VCV004291558.2).